The following is an entry in ClinVar:

ClinVar aggregate classification (germline): Pathogenic (1 of 4 stars; one submission).

Conditions:
Neuronal ceroid lipofuscinosis 7 (CLN7). Also called: MFSD8-Related Neuronal Ceroid-Lipofuscinosis. Identifiers: Orphanet 168491, Orphanet 228366, MedGen C1838571, MONDO:0012588, OMIM 610951.

Submission:

Labcorp Genetics (formerly Invitae), Labcorp
Classification: Pathogenic for Neuronal ceroid lipofuscinosis 7. Last evaluated: 2025-02-10. Review status: criteria provided, single submitter. Criteria: Invitae Variant Classification Sherloc (09022015). Collection method: clinical testing. Allele origin: germline.
Comment: This sequence change creates a premature translational stop signal (p.Ser240*) in the MFSD8 gene. It is expected to result in an absent or disrupted protein product. Loss-of-function variants in MFSD8 are known to be pathogenic (PMID: 19177532, 25227500, 28586915). This variant is present in population databases (rs761017363, gnomAD 0.007%). This variant has not been reported in the literature in individuals affected with MFSD8-related conditions. For these reasons, this variant has been classified as Pathogenic.

Literature cited by the submitters: PubMed 19177532; PubMed 25227500; PubMed 28586915.

NM_001371596.2(MFSD8):c.719C>G (p.Ser240Ter)

Gene: MFSD8 (major facilitator superfamily domain containing 8; minus strand). Cytogenetic location: 4q28.2.
Variant type: single nucleotide variant.
Coding change: c.719C>G on transcript NM_001371596.2 (MANE Select); coding-DNA position 719, C replaced by G.
Protein change: p.Ser240Ter; replaces serine 240 with a stop codon.
Molecular consequence: nonsense. On other transcripts: intron variant (3).
Genome position (GRCh38, 1-based): chr4:127,938,818, G>C on the plus strand (C>G on the coding strand, the complement: MFSD8 is on the minus strand). VCF-style: chr4-127938818-G-C. GRCh37 (hg19) VCF-style: chr4-128859973-G-C.
Other names: c.584C>G, p.Ser195Ter (NM_001371590.2); c.719C>G, p.Ser240Ter (NM_001371591.2, NM_152778.4); c.725C>G, p.Ser242Ter (NM_001371592.2); c.605C>G, p.Ser202Ter (NM_001371593.2, NM_001410766.1); c.572C>G, p.Ser191Ter (NM_001371594.2); c.437C>G, p.Ser146Ter (NM_001371595.1); c.304+4934C>G (NM_001410765.1); c.439+4934C>G (NM_001363521.3); and 1 more; short protein forms S202*, S240*, S242*, S146*, S195*, S191*.
Identifiers: ClinVar variation 3654888 (VCV003654888.2).
Genomic context (GRCh38, chr4:127,938,818, plus strand): 5'-ATTCAGCCAAATGGGTTAAAAGTACCTTCTTCAAAATTAATACTTTTACACTGTCTTCCT[G>C]AGTCATCCACACGATGTTCTCTTAAAAAGAAAAACACAAATATTGTACCTATAAAATGCT-3'